The following is an entry in ClinVar:

ClinVar aggregate classification (germline): Uncertain significance (1 of 4 stars; one submission).

Conditions:
Focal segmental glomerulosclerosis 9 (FSGS9). Identifiers: Orphanet 656, MedGen C4015555, MONDO:0014539, OMIM 616220.

Allele frequency attached by ClinVar (database versions not stated): gnomAD 0.00001; gnomAD exomes 0.00001.

Submission:

Baylor Genetics
Classification: Uncertain significance for Focal segmental glomerulosclerosis 9. Last evaluated: 2019-02-22. Review status: criteria provided, single submitter. Criteria: ACMG Guidelines, 2015. Collection method: clinical testing. Allele origin: paternal. Affected: yes.
Comment: This variant was determined to be of uncertain significance according to ACMG Guidelines, 2015 [PMID:25741868].

NM_173689.7(CRB2):c.2914C>T (p.Arg972Cys)

Gene: CRB2 (crumbs cell polarity complex component 2; plus strand). Cytogenetic location: 9q33.3.
Variant type: single nucleotide variant.
Coding change: c.2914C>T on transcript NM_173689.7 (MANE Select); coding-DNA position 2914, C replaced by T.
Protein change: p.Arg972Cys; replaces arginine 972 with cysteine.
Molecular consequence: missense variant. On other transcripts: non-coding transcript variant (1).
Genome position (GRCh38, 1-based): chr9:123,373,445, C>T. VCF-style: chr9-123373445-C-T. GRCh37 (hg19) VCF-style: chr9-126135724-C-T.
Other names: short protein forms R972C.
Identifiers: ClinVar variation 1027872 (VCV001027872.1), dbSNP rs1236510733, ClinGen allele CA374867668.